The following is an entry in ClinVar:

NM_032590.5(KDM2B):c.3797C>G (p.Thr1266Ser)

Gene: KDM2B (lysine demethylase 2B; minus strand). Cytogenetic location: 12q24.31.
Variant type: single nucleotide variant.
Coding change: c.3797C>G on transcript NM_032590.5 (MANE Select); coding-DNA position 3797, C replaced by G.
Protein change: p.Thr1266Ser; replaces threonine 1266 with serine.
Molecular consequence: missense variant.
Genome position (GRCh38, 1-based): chr12:121,439,889, G>C on the plus strand (C>G on the coding strand, the complement: KDM2B is on the minus strand). VCF-style: chr12-121439889-G-C. GRCh37 (hg19) VCF-style: chr12-121877692-G-C.
Other names: c.3590C>G, p.Thr1197Ser (NM_001005366.2); short protein forms T1197S, T1266S.
Identifiers: ClinVar variation 3371458 (VCV003371458.1).

ClinVar aggregate classification (germline): Uncertain significance (1 of 4 stars; one submission).

Submission:

GeneDx
Classification: Uncertain significance. Last evaluated: 2024-03-22. Review status: criteria provided, single submitter. Criteria: GeneDx Variant Classification Process June 2021. Collection method: clinical testing. Allele origin: germline. Affected: yes.
Comment: Not observed at significant frequency in large population cohorts (gnomAD); In silico analysis supports that this missense variant has a deleterious effect on protein structure/function; Has not been previously published as pathogenic or benign to our knowledge